The following is an entry in ClinVar:

ClinVar aggregate classification (germline): Conflicting classifications of pathogenicity. Review status: criteria provided, conflicting classifications (1 of 4 stars). 3 submissions from 3 submitters: Uncertain significance (1); Likely benign (1). 1 of the submissions does not count toward it. Last evaluated 2026-09-01.

Conditions:
Oculogastrointestinal-neurodevelopmental syndrome. Identifiers: Orphanet 611201, MedGen C5543355, MONDO:0036189, OMIM 619318.
CAPN15-related disorder. Also called: CAPN15-related condition.

Submissions (4):

CeGaT Center for Human Genetics Tuebingen
Classification: Likely benign. Last evaluated: 2026-09-01. Review status: criteria provided, single submitter. Criteria: CeGaT Center For Human Genetics Tuebingen Variant Classification Criteria Version 2. Collection method: clinical testing. Allele origin: germline. Affected: yes. Observed: 24 variant alleles.
Comment: CAPN15: PP3, BS2

Department of Pathology and Laboratory Medicine, Sinai Health System
Classification: Uncertain significance for oculogastrointestinal-neurodevelopmental syndrome. Last evaluated: 2023-05-09. Review status: criteria provided, single submitter. Criteria: ACMG Guidelines, 2015. Collection method: research. Allele origin: germline.

PreventionGenetics, part of Exact Sciences
Classification: Likely benign for CAPN15-related condition. Last evaluated: 2020-01-30. Review status: no assertion criteria provided. Collection method: clinical testing. Allele origin: germline. Not counted in ClinVar's aggregate classification.
Comment: This variant is classified as likely benign based on ACMG/AMP sequence variant interpretation guidelines (Richards et al. 2015 PMID: 25741868, with internal and published modifications).

Dr. Peter K. Rogan Lab, Western University
No classification provided (evidence only). Condition: Adrenocortical carcinoma, hereditary. Review status: no classification provided. Collection method: in vitro. Allele origin: not applicable. Functional consequence: retained intron. Not counted in ClinVar's aggregate classification.

NM_005632.3(CAPN15):c.3083+5_3083+40del

Gene: CAPN15 (calpain 15; plus strand). Cytogenetic location: 16p13.3.
Variant type: Deletion.
Coding change: c.3083+5_3083+40del on transcript NM_005632.3 (MANE Select); bases 5 to 40 of the intron after coding-DNA position 3083, 36 bases deleted.
Molecular consequence: splice donor variant.
Genome position (GRCh38, 1-based): chr16:553,046-553,081, 36 bases deleted; deleting any 36 consecutive bases within chr16:553,028-553,081 gives the same sequence; the c. name uses the placement nearest the transcript's 3' end. GRCh37 (hg19): chr16:603,046-603,081.
Other names: c.3083+5_3083+40del36 (NM_005632.2).
Identifiers: ClinVar variation 2645822 (VCV002645822.26), dbSNP rs1441582052, ClinGen allele CA7779038.